The following is an entry in ClinVar:

NM_182493.3(MYLK3):c.839T>C (p.Val280Ala)

Gene: MYLK3 (myosin light chain kinase 3; minus strand). Cytogenetic location: 16q11.2.
Variant type: single nucleotide variant.
Coding change: c.839T>C on transcript NM_182493.3 (MANE Select); coding-DNA position 839, T replaced by C.
Protein change: p.Val280Ala; replaces valine 280 with alanine.
Molecular consequence: missense variant. On other transcripts: intron variant (1).
Genome position (GRCh38, 1-based): chr16:46,737,873, A>G on the plus strand (T>C on the coding strand, the complement: MYLK3 is on the minus strand). VCF-style: chr16-46737873-A-G. GRCh37 (hg19) VCF-style: chr16-46771785-A-G.
Other names: c.-23+2184T>C (NM_001308301.1); short protein forms V280A.
Identifiers: ClinVar variation 2176406 (VCV002176406.4), dbSNP rs1485699387, ClinGen allele CA395794126.

ClinVar aggregate classification (germline): Uncertain significance (1 of 4 stars; one submission).

Allele frequency attached by ClinVar (database versions not stated): gnomAD exomes below 0.00001.
gnomAD v4.1: 2 of 1,613,880 alleles (0.00012%); highest among the groups gnomAD compares: Admixed American, 0.0017%; no homozygotes.

Submission:

Labcorp Genetics (formerly Invitae), Labcorp
Classification: Uncertain significance. Last evaluated: 2022-08-20. Review status: criteria provided, single submitter. Criteria: Invitae Variant Classification Sherloc (09022015). Collection method: clinical testing. Allele origin: germline.
Comment: In summary, the available evidence is currently insufficient to determine the role of this variant in disease. Therefore, it has been classified as a Variant of Uncertain Significance. Algorithms developed to predict the effect of missense changes on protein structure and function output the following: SIFT: "Tolerated"; PolyPhen-2: "Benign"; Align-GVGD: "Class C0". The alanine amino acid residue is found in multiple mammalian species, which suggests that this missense change does not adversely affect protein function. This variant has not been reported in the literature in individuals affected with MYLK3-related conditions. This variant is present in population databases (no rsID available, gnomAD 0.003%). This sequence change replaces valine, which is neutral and non-polar, with alanine, which is neutral and non-polar, at codon 280 of the MYLK3 protein (p.Val280Ala).